The following is an entry in ClinVar:

NM_032242.4(PLXNA1):c.2352G>A (p.Val784=)

Gene: PLXNA1 (plexin A1; plus strand). Cytogenetic location: 3q21.3.
Variant type: single nucleotide variant.
Coding change: c.2352G>A on transcript NM_032242.4 (MANE Select); coding-DNA position 2352, G replaced by A.
Protein change: p.Val784=; no amino-acid change (valine 784 retained).
Molecular consequence: synonymous variant.
Genome position (GRCh38, 1-based): chr3:127,014,058, G>A. VCF-style: chr3-127014058-G-A. GRCh37 (hg19) VCF-style: chr3-126732901-G-A.
Identifiers: ClinVar variation 3347265 (VCV003347265.1).
Genomic context (GRCh38, chr3:127,014,058, plus strand): 5'-TGACGGTGCCATCACCTAACAGTACTCCTACGAGGGGAACGATGTCAGCGACCTGCCAGT[G>A]AACCTGTCAGTCGTGTGGAACGGCAACTTTGTCATTGACAACCCACAGAACATCCAGGGT-3'
Protein context (NP_115618.3, residues 774-794): YEGNDVSDLP[Val784=]NLSVVWNGNF

ClinVar aggregate classification (germline): Likely benign (0 of 4 stars; one submission).

Conditions:
PLXNA1-related disorder. Also called: PLXNA1-related condition.

gnomAD v4.1: 3 of 1,613,986 alleles (0.00019%); highest among the groups gnomAD compares: Non-Finnish European, 0.00025%; no homozygotes.

Submission:

PreventionGenetics, part of Exact Sciences
Classification: Likely benign for PLXNA1-related condition. Last evaluated: 2024-05-17. Review status: no assertion criteria provided. Collection method: clinical testing. Allele origin: germline.
Comment: This variant is classified as likely benign based on ACMG/AMP sequence variant interpretation guidelines (Richards et al. 2015 PMID: 25741868, with internal and published modifications).